The following is an entry in ClinVar:

ClinVar aggregate classification (germline): Uncertain significance (1 of 4 stars; one submission).

Conditions:
Aicardi-Goutieres syndrome 2. Identifiers: Orphanet 51, MedGen C3489724, MONDO:0012429, OMIM 610181.

gnomAD v4.1: 2 of 1,611,598 alleles (0.00012%); highest among the groups gnomAD compares: Non-Finnish European, 0.00017%; no homozygotes.

Submission:

Myriad Genetics, Inc.
Classification: Uncertain significance for Aicardi-Goutieres syndrome 2. Last evaluated: 2026-08-04. Review status: criteria provided, single submitter. Criteria: Myriad Autosomal Dominant, Autosomal Recessive and X-Linked Classification Criteria (2023). Collection method: clinical testing. Allele origin: unknown.
Comment: NM_024570.3(RNASEH2B):c.659T>A(I220N) is a missense variant classified as a variant of uncertain significance in the context of Aicardi-Goutires syndrome, RNASEH2B-related. I220N has been observed in a case with relevant disease (PMID: 37171742). Relevant functional assessments of this variant are not available in the literature. I220N has been observed in referenced population frequency databases. In summary, there is insufficient evidence to classify NM_024570.3(RNASEH2B):c.659T>A(I220N) as pathogenic or benign. Please note: this variant was assessed in the context of healthy population screening.

Literature cited by the submitters: PubMed 37171742.

NM_024570.4(RNASEH2B):c.659T>A (p.Ile220Asn)

Gene: RNASEH2B (ribonuclease H2 subunit B; plus strand). Cytogenetic location: 13q14.3.
Variant type: single nucleotide variant.
Coding change: c.659T>A on transcript NM_024570.4 (MANE Select); coding-DNA position 659, T replaced by A.
Protein change: p.Ile220Asn; replaces isoleucine 220 with asparagine.
Molecular consequence: missense variant.
Genome position (GRCh38, 1-based): chr13:50,948,029, T>A. VCF-style: chr13-50948029-T-A. GRCh37 (hg19) VCF-style: chr13-51522165-T-A.
Other names: c.659T>A, p.Ile220Asn (NM_001142279.2, NM_001411023.1); short protein forms I220N.
Identifiers: ClinVar variation 5004826 (VCV005004826.1).